The following is an entry in ClinVar:

ClinVar aggregate classification (germline): Benign/Likely benign. Review status: criteria provided, multiple submitters, no conflicts (2 of 4 stars). 11 submissions from 11 submitters: Benign (1); Likely benign (9). 1 of the submissions does not count toward it. Last evaluated 2026-01-20.

Conditions:
Hereditary cancer-predisposing syndrome. Also called: Hereditary Cancer Syndrome; Tumor predisposition; Neoplastic Syndromes, Hereditary; Hereditary neoplastic syndrome. Identifiers: Orphanet 140162, MedGen C0027672, MeSH D009386, MONDO:0015356.
Hereditary breast ovarian cancer syndrome. Also called: Breast and ovarian cancer; BRCA1- and BRCA2-Associated Hereditary Breast and Ovarian Cancer; Hereditary breast and ovarian cancer; Hereditary breast and ovarian cancer syndrome (HBOC); Hereditary breast and ovarian cancer syndrome; Hereditary breast and/or ovarian cancer syndrome. Identifiers: Orphanet 145, MedGen C0677776, MeSH D061325, MONDO:0003582. Disease mechanism: loss of function.
Breast-ovarian cancer, familial, susceptibility to, 1 (BROVCA1). Also called: BRCA1 Hereditary Breast and Ovarian Cancer; OVARIAN CANCER, SUSCEPTIBILITY TO. Identifiers: Orphanet 145, MedGen C2676676, MONDO:0011450, OMIM 604370. Disease mechanism: loss of function.

Allele frequency attached by ClinVar (database versions not stated): gnomAD exomes below 0.00001 and 0.00001; gnomAD 0.00001; TOPMed 0.00002.
gnomAD v4.1: 19 of 1,613,974 alleles (0.0012%); highest among the groups gnomAD compares: Admixed American, 0.0017%; no homozygotes.

Submissions (11):

Labcorp Genetics (formerly Invitae), Labcorp
Classification: Likely benign for Hereditary breast ovarian cancer syndrome. Last evaluated: 2026-01-20. Review status: criteria provided, single submitter. Criteria: Invitae Variant Classification Sherloc (09022015). Collection method: clinical testing. Allele origin: germline.

CeGaT Center for Human Genetics Tuebingen
Classification: Likely benign. Last evaluated: 2025-11-01. Review status: criteria provided, single submitter. Criteria: CeGaT Center For Human Genetics Tuebingen Variant Classification Criteria Version 2. Collection method: clinical testing. Allele origin: germline. Affected: yes. Observed: 1 variant allele.
Comment: BRCA1: BP4

All of Us Research Program, National Institutes of Health
Classification: Likely benign for Breast-ovarian cancer, familial, susceptibility to, 1. Last evaluated: 2024-01-11. Review status: criteria provided, single submitter. Criteria: ACMG Guidelines, 2015. Collection method: clinical testing. Allele origin: germline. Inheritance: Autosomal dominant inheritance. Observed: 7 variant alleles, 7 heterozygotes.
Comment: This study involves interpretation of variants in research participants for the purpose of population health screening. Participant phenotype was not available at the time of variant classification. Additional details can be found in publication PMID: 35346344, PMCID: PMC8962531

Women's Health and Genetics/Laboratory Corporation of America, LabCorp
Classification: Likely benign. Last evaluated: 2023-06-01. Review status: criteria provided, single submitter. Criteria: LabCorp Variant Classification Summary - May 2015. Collection method: clinical testing. Allele origin: germline.
Comment: Variant summary: BRCA1 c.3601G>A (p.Gly1201Ser) results in a non-conservative amino acid change in the encoded protein sequence. Four of five in-silico tools predict a benign effect of the variant on protein function. The variant allele was found at a frequency of 4e-06 in 250998 control chromosomes. c.3601G>A has been reported in the literature in at least two individuals affected with cancer without strong evidence for causality (e.g., Salazar_2006, Matta_2022). Co-occurrences with other pathogenic variant(s) have been reported (BRCA1 c.4251_4252delGT, p.Leu1418ArgfsX9; BRCA1 c.4998C>A , p.Tyr1666X; BRCA2 c.1138_1138delA, p.Ser380Valfs), providing supporting evidence for a benign role. At least one publication reports experimental evidence evaluating an impact on protein function (Bouwman_2020). These results showed no damaging effect of this variant on ability to complement BRCA1-deficient mouse embryonic stem cells in homologous recombination DNA repair (HRR) using cisplatin and olaparib sensitivity assays and a direct GFP HRR assay. The following publications have been ascertained in the context of this evaluation (PMID: 15385441, 15876480, 23704879, 25348012, 34749799, 32546644, 33087888, 36329109). Seven ClinVar submitters have submitted clinical-significance assessments for this variant to ClinVar after 2014. Six submitters classified the variant as likely benign and one classified it as benign. Based on the evidence outlined above, the variant was classified as likely benign.

Mendelics
Classification: Benign. Last evaluated: 2022-05-04. Review status: criteria provided, single submitter. Criteria: Mendelics Assertion Criteria 2019. Collection method: clinical testing. Allele origin: germline.

Genetics Program, Instituto Nacional de Cancer
Classification: Likely benign for Hereditary breast ovarian cancer syndrome. Last evaluated: 2021-11-01. Review status: criteria provided, single submitter. Criteria: ACMG Guidelines, 2015. Collection method: research. Allele origin: germline. Affected: yes.

GeneDx
Classification: Likely benign. Last evaluated: 2020-08-13. Review status: criteria provided, single submitter. Criteria: GeneDx Variant Classification Process June 2021. Collection method: clinical testing. Allele origin: germline. Affected: yes.
Comment: This variant is associated with the following publications: (PMID: 15876480, 33087888, 31131967)

Quest Diagnostics Nichols Institute San Juan Capistrano
Classification: Likely benign. Last evaluated: 2020-07-31. Review status: criteria provided, single submitter. Criteria: Quest Diagnostics criteria. Collection method: clinical testing. Allele origin: unknown.

Ambry Genetics
Classification: Likely benign for Hereditary cancer-predisposing syndrome. Last evaluated: 2018-12-29. Review status: criteria provided, single submitter. Criteria: Ambry Variant Classification Scheme 2023. Collection method: clinical testing. Allele origin: germline.

Color Diagnostics, LLC DBA Color Health
Classification: Likely benign for Hereditary cancer-predisposing syndrome. Last evaluated: 2018-03-06. Review status: criteria provided, single submitter. Criteria: ACMG Guidelines, 2015. Collection method: clinical testing. Allele origin: germline.

Breast Cancer Information Core (BIC) (BRCA1)
Classification: Uncertain significance for Breast-ovarian cancer, familial 1. Last evaluated: 1999-04-05. Review status: no assertion criteria provided. Collection method: clinical testing. Allele origin: germline. Affected: yes. Observed: 3 variant alleles. Not counted in ClinVar's aggregate classification.

Literature cited by the submitters: PubMed 15385441 (cited by Women's Health and Genetics/Laboratory Corporation of America, LabCorp); PubMed 15876480 (cited by 3 submitters); PubMed 23704879 (cited by Women's Health and Genetics/Laboratory Corporation of America, LabCorp); PubMed 25348012 (cited by Women's Health and Genetics/Laboratory Corporation of America, LabCorp); PubMed 32546644 (cited by Women's Health and Genetics/Laboratory Corporation of America, LabCorp); PubMed 33087888 (cited by Women's Health and Genetics/Laboratory Corporation of America, LabCorp); PubMed 34749799 (cited by Women's Health and Genetics/Laboratory Corporation of America, LabCorp); PubMed 36329109 (cited by Women's Health and Genetics/Laboratory Corporation of America, LabCorp and Genetics Program, Instituto Nacional de Cancer).

NM_007294.4(BRCA1):c.3601G>A (p.Gly1201Ser)

Genes: BRCA1 (BRCA1 DNA repair associated; minus strand), LOC126862571 (BRD4-independent group 4 enhancer GRCh37_chr17:41243136-41244335; plus strand). Cytogenetic location: 17q21.31.
Variant type: single nucleotide variant.
Coding change: c.3601G>A on transcript NM_007294.4 (MANE Select); coding-DNA position 3601, G replaced by A.
Protein change: p.Gly1201Ser; replaces glycine 1201 with serine.
Molecular consequence: missense variant. On other transcripts: intron variant (135).
Genome position (GRCh38, 1-based): chr17:43,091,930, C>T on the plus strand (G>A on the coding strand, the complement: BRCA1 is on the minus strand). VCF-style: chr17-43091930-C-T. GRCh37 (hg19) VCF-style: chr17-41243947-C-T.
Other names: c.3388G>A, p.Gly1130Ser (NM_001407571.1, NM_001407853.1, NM_001407894.1 and 9 more transcripts); c.3601G>A, p.Gly1201Ser (NM_001407581.1, NM_001407582.1, NM_001407583.1 and 30 more transcripts); c.3598G>A, p.Gly1200Ser (NM_001407587.1, NM_001407610.1, NM_001407611.1 and 22 more transcripts); c.3592G>A, p.Gly1198Ser (NM_001407646.1, NM_001407647.1); c.3478G>A, p.Gly1160Ser (NM_001407648.1, NM_001407664.1, NM_001407665.1 and 19 more transcripts); c.3475G>A, p.Gly1159Ser (NM_001407649.1, NM_001407670.1, NM_001407671.1 and 11 more transcripts); c.3523G>A, p.Gly1175Ser (NM_001407653.1, NM_001407654.1, NM_001407655.1 and 4 more transcripts); c.3520G>A, p.Gly1174Ser (NM_001407659.1, NM_001407660.1, NM_001407661.1 and 1 more transcripts); and 41 more; short protein forms G1198S, G1033S, G1074S, G1130S, G1133S, G1159S, G333S, G1160S.
Identifiers: ClinVar variation 54932 (VCV000054932.92), dbSNP rs55725337, ClinGen allele CA002301.
Genomic context (GRCh38, chr17:43,091,930, plus strand): 5'-CATCCTCACTAGATAAGTTCTCTTCTGAGGACTCTAATTTCTTGGCCCCTCTTCGGTAAC[C>T]CTGAGCCAAATGTGTATGGGTGAAAGGGCTAGGACTCCTGCTAAGCTCTCCTTTCTGGAC-3'
Protein context (NP_009225.1, residues 1191-1211): SPFTHTHLAQ[Gly1201Ser]YRRGAKKLES